The following is an entry in ClinVar:

ClinVar aggregate classification (germline): Benign. Review status: reviewed by expert panel (3 of 4 stars). 17 submissions from 17 submitters: Benign (1). 16 of the submissions do not count toward it. Last evaluated 2020-01-23.

Conditions:
Glycogen storage disease, type II (IOPD). Also called: POMPE DISEASE, INFANTILE-ONSET; GLYCOGEN STORAGE DISEASE II, INFANTILE-ONSET; ACID ALPHA-GLUCOSIDASE DEFICIENCY, INFANTILE-ONSET; GAA DEFICIENCY, INFANTILE-ONSET; ACID MALTASE DEFICIENCY, INFANTILE-ONSET; Glucosidase acid-1,4-alpha deficiency. Identifiers: Orphanet 365, MedGen C0017921, MONDO:0009290, OMIM 232300.
Cardiovascular phenotype. Identifiers: MedGen CN230736.

Allele frequency attached by ClinVar (database versions not stated): 1000 Genomes Project 0.50938; 1000 Genomes Project 30x 0.51202; TOPMed 0.56658; gnomAD 0.57872; ESP Exome Variant Server 0.60480.

Submissions (17):

ClinGen Lysosomal Storage Disorder Variant Curation Expert Panel
Classification: Benign for Glycogen storage disease, type II. Last evaluated: 2020-01-23. Review status: reviewed by expert panel. Criteria: ClinGen LSD ACMG Specifications v1. Collection method: curation. Allele origin: germline. Inheritance: Autosomal recessive inheritance.
Comment: The highest continental population minor allele frequency for c.2553G>A (p.Gly851=) in gnomAD v2.1.1 is 0.63818 in the European non-Finnish population. Note that the minor allele frequency is even higher in the Ashkenazi Jewish (0.70216) and European Finnish (0.64436) populations. These allele frequencies are higher than the ClinGen LSD VCEP's BA1 threshold (>0.01), meeting this criterion. There is a ClinVar entry for this variant (Variation ID: 92481, two star review status), with 6 submitters classifying the variant as benign. In summary, this variant meets the criteria to be classified as benign for Pompe disease. GAA-specific ACMG/AMP criteria applied, as specified by the ClinGen LSD VCEP: BA1.

Genomenon, Inc
Classification: Benign for Glycogen storage disease, type II. Last evaluated: 2026-07-01. Review status: criteria provided, single submitter. Criteria: Genomenon Sequence Variant Interpretation Standards - Updated. Collection method: curation. Allele origin: germline. Affected: no. Not counted in ClinVar's aggregate classification.
Comment: GAA c.2553G>A is a synonymous variant that retains Glycine at codon 851. This variant is present at high allele frequency in population databases. We classify GAA c.2553G>A (p.Gly851=) as a benign variant.

Labcorp Genetics (formerly Invitae), Labcorp
Classification: Benign for Glycogen storage disease, type II. Last evaluated: 2026-02-04. Review status: criteria provided, single submitter. Criteria: Invitae Variant Classification Sherloc (09022015). Collection method: clinical testing. Allele origin: germline. Not counted in ClinVar's aggregate classification.

Blueprint Genetics
Classification: Benign. Last evaluated: 2024-11-28. Review status: criteria provided, single submitter. Criteria: ACMG Guidelines, 2015. Collection method: clinical testing. Allele origin: germline. Not counted in ClinVar's aggregate classification.

Genome-Nilou Lab
Classification: Benign for Glycogen storage disease, type II. Last evaluated: 2021-06-10. Review status: criteria provided, single submitter. Criteria: ACMG Guidelines, 2015. Collection method: clinical testing. Allele origin: germline. Affected: no. Not counted in ClinVar's aggregate classification.

Eurofins Ntd Llc (ga)
Classification: Benign. Last evaluated: 2018-09-04. Review status: criteria provided, single submitter. Criteria: EGL ClinVar v180209 classification definitions. Collection method: clinical testing. Allele origin: germline. Observed: 107 variant alleles, 66 heterozygotes, 41 homozygotes. Not counted in ClinVar's aggregate classification.

Illumina Laboratory Services, Illumina
Classification: Benign for Glycogen storage disease, type II. Last evaluated: 2018-01-12. Review status: criteria provided, single submitter. Criteria: ICSL Variant Classification Criteria 13 December 2019. Collection method: clinical testing. Allele origin: germline. Not counted in ClinVar's aggregate classification.
Comment: This variant was observed in the ICSL laboratory as part of a predisposition screen in an ostensibly healthy population. It had not been previously curated by ICSL or reported in the Human Gene Mutation Database (HGMD: prior to June 1st, 2018), and was therefore a candidate for classification through an automated scoring system. Utilizing variant allele frequency, disease prevalence and penetrance estimates, and inheritance mode, an automated score was calculated to assess if this variant is too frequent to cause the disease. Based on the score and internal cut-off values, a variant classified as benign is not then subjected to further curation. The score for this variant resulted in a classification of benign for this disease.

Ambry Genetics
Classification: Benign for Cardiovascular phenotype. Last evaluated: 2015-12-22. Review status: criteria provided, single submitter. Criteria: Ambry Variant Classification Scheme 2023. Collection method: clinical testing. Allele origin: germline. Not counted in ClinVar's aggregate classification.

GeneDx
Classification: Benign. Last evaluated: 2015-03-03. Review status: criteria provided, single submitter. Criteria: GeneDx Variant Classification Process June 2021. Collection method: clinical testing. Allele origin: germline. Affected: yes. Not counted in ClinVar's aggregate classification.
Comment: This variant is associated with the following publications: (PMID: 23418865)

Genetic Services Laboratory, University of Chicago
Classification: Benign for AllHighlyPenetrant. Last evaluated: 2013-08-15. Review status: criteria provided, single submitter. Criteria: ACMG Guidelines, 2007. Collection method: clinical testing. Allele origin: germline. Inheritance: Autosomal recessive inheritance. Not counted in ClinVar's aggregate classification.

Breakthrough Genomics
Classification: Benign. Review status: criteria provided, single submitter. Criteria: ACMG Guidelines, 2015. Collection method: not provided. Allele origin: germline. Inheritance: Autosomal recessive inheritance. Affected: yes. Not counted in ClinVar's aggregate classification.

PreventionGenetics, part of Exact Sciences
Classification: Benign. Review status: criteria provided, single submitter. Criteria: ACMG Guidelines, 2015. Collection method: clinical testing. Allele origin: germline. Not counted in ClinVar's aggregate classification.

Natera, Inc.
Classification: Benign for Glycogen storage disease type II. Last evaluated: 2019-11-18. Review status: no assertion criteria provided. Collection method: clinical testing. Allele origin: germline. Not counted in ClinVar's aggregate classification.

Mayo Clinic Laboratories, Mayo Clinic
Classification: Benign. Last evaluated: 2015-10-19. Review status: no assertion criteria provided. Collection method: clinical testing. Allele origin: unknown. Not counted in ClinVar's aggregate classification.

Department of Pathology and Laboratory Medicine, Sinai Health System
Classification: Uncertain significance. Review status: no assertion criteria provided. Collection method: clinical testing. Allele origin: unknown. Affected: yes. Study: The Canadian Open Genetics Repository (COGR). Not counted in ClinVar's aggregate classification.
Comment: multiple AR variants in same gene - keep for nowAllele frequency is common in at least one population database (frequency: 70.344% in gnomAD_ExomesFounderPop) based on the frequency threshold of 2.76% for this gene.Variant was observed in a homozygous state in population databases more than expected for disease.6 reputable source/s reports the variant as benign, but the evidence is not available to the laboratory to perform an independent evaluation.A synonymous variant not located in a splice region.

Diagnostic Laboratory, Department of Genetics, University Medical Center Groningen
Classification: Benign for Glycogen storage disease, type II. Review status: no assertion criteria provided. Collection method: clinical testing. Allele origin: germline. Affected: yes. Study: VKGL Data-share Consensus. Not counted in ClinVar's aggregate classification.

Genome Diagnostics Laboratory, University Medical Center Utrecht
Classification: Benign. Review status: no assertion criteria provided. Collection method: clinical testing. Allele origin: germline. Affected: yes. Study: VKGL Data-share Consensus. Not counted in ClinVar's aggregate classification.

NM_000152.5(GAA):c.2553G>A (p.Gly851=)

Gene: GAA (alpha glucosidase; plus strand). Cytogenetic location: 17q25.3.
Variant type: single nucleotide variant.
Coding change: c.2553G>A on transcript NM_000152.5 (MANE Select); coding-DNA position 2553, G replaced by A.
Protein change: p.Gly851=; no amino-acid change (glycine 851 retained).
Molecular consequence: synonymous variant.
Genome position (GRCh38, 1-based): chr17:80,118,264, G>A. VCF-style: chr17-80118264-G-A. GRCh37 (hg19) VCF-style: chr17-78092063-G-A.
Other names: c.2553G>A, p.Gly851= (NM_001079803.3, NM_001079804.3); c.2553G>A, p.(=) (LRG_673t1).
Identifiers: ClinVar variation 92481 (VCV000092481.37), dbSNP rs1042397, ClinGen allele CA145775.